The following is an entry in ClinVar:

NM_176824.3(BBS7):c.1069T>G (p.Leu357Val)

Gene: BBS7 (Bardet-Biedl syndrome 7; minus strand). Cytogenetic location: 4q27.
Variant type: single nucleotide variant.
Coding change: c.1069T>G on transcript NM_176824.3 (MANE Select); coding-DNA position 1069, T replaced by G.
Protein change: p.Leu357Val; replaces leucine 357 with valine.
Molecular consequence: missense variant.
Genome position (GRCh38, 1-based): chr4:121,845,665, A>C on the plus strand (T>G on the coding strand, the complement: BBS7 is on the minus strand). VCF-style: chr4-121845665-A-C. GRCh37 (hg19) VCF-style: chr4-122766820-A-C.
Other names: c.1069T>G, p.Leu357Val (NM_018190.4); c.1069T>G (NM_176824.2); short protein forms L357V.
Identifiers: ClinVar variation 1364398 (VCV001364398.6), dbSNP rs906692940, ClinGen allele CA104762569.
Genomic context (GRCh38, chr4:121,845,665, plus strand): 5'-GTACTGCTGATTTTGCTTTGCTTGATTGAGAAGACTGTTGATAATTCTCTCTTTCCTGCA[A>C]TACCTTATACTGCAAATGTTCCAACTCATTCCTGGAGAAAAACACATACAAATTTGTCAA-3'
Protein context (NP_789794.1, residues 347-367): NELEHLQYKV[Leu357Val]QERENYQQSS

ClinVar aggregate classification (germline): Uncertain significance. Review status: criteria provided, multiple submitters, no conflicts (2 of 4 stars). 4 submissions from 4 submitters: Uncertain significance (4). Last evaluated 2026-09-24.

Conditions:
Bardet-Biedl syndrome (BBS). Identifiers: Orphanet 110, MedGen C0752166, MONDO:0015229.
BBS7-related disorder. Also called: BBS7-related condition.
Inborn genetic diseases. Identifiers: MedGen C0950123, MeSH D030342.
Bardet-Biedl syndrome 7 (BBS7). Identifiers: Orphanet 110, MedGen C1859565, MONDO:0014435, OMIM 615984.

Allele frequency attached by ClinVar (database versions not stated): gnomAD 0.00001; TOPMed 0.00002.
gnomAD v4.1: 3 of 1,613,094 alleles (0.00019%); highest among the groups gnomAD compares: African/African-American, 0.004%; no homozygotes.

Submissions (4):

PreventionGenetics, part of Exact Sciences
Classification: Uncertain significance for BBS7-related condition. Last evaluated: 2026-09-24. Review status: criteria provided, single submitter. Criteria: ACMG Guidelines, 2015. Collection method: clinical testing. Allele origin: germline.
Comment: The BBS7 c.1069T>G variant is predicted to result in the amino acid substitution p.Leu357Val. To our knowledge, this variant has not been reported in the literature. This variant is reported in 0.011% of alleles in individuals of African descent in gnomAD. At this time, the clinical significance of this variant is uncertain due to the absence of conclusive functional and genetic evidence.

Ambry Genetics
Classification: Uncertain significance for Inborn genetic diseases. Last evaluated: 2026-03-10. Review status: criteria provided, single submitter. Criteria: Ambry Variant Classification Scheme 2023. Collection method: clinical testing. Allele origin: germline.

Labcorp Genetics (formerly Invitae), Labcorp
Classification: Uncertain significance for Bardet-Biedl syndrome. Last evaluated: 2022-10-17. Review status: criteria provided, single submitter. Criteria: Invitae Variant Classification Sherloc (09022015). Collection method: clinical testing. Allele origin: germline.
Comment: This sequence change replaces leucine, which is neutral and non-polar, with valine, which is neutral and non-polar, at codon 357 of the BBS7 protein (p.Leu357Val). This variant is present in population databases (no rsID available, gnomAD 0.01%). This variant has not been reported in the literature in individuals affected with BBS7-related conditions. ClinVar contains an entry for this variant (Variation ID: 1364398). Advanced modeling of protein sequence and biophysical properties (such as structural, functional, and spatial information, amino acid conservation, physicochemical variation, residue mobility, and thermodynamic stability) performed at Invitae indicates that this missense variant is not expected to disrupt BBS7 protein function. In summary, the available evidence is currently insufficient to determine the role of this variant in disease. Therefore, it has been classified as a Variant of Uncertain Significance.

Fulgent Genetics
Classification: Uncertain significance for Bardet-Biedl syndrome 7. Last evaluated: 2022-02-09. Review status: criteria provided, single submitter. Criteria: ACMG Guidelines, 2015. Collection method: clinical testing. Allele origin: unknown.